The following is an entry in ClinVar:

NM_005356.5(LCK):c.1373G>T (p.Arg458Leu)

Gene: LCK (LCK proto-oncogene, Src family tyrosine kinase; plus strand). Cytogenetic location: 1p35.2.
Variant type: single nucleotide variant.
Coding change: c.1373G>T on transcript NM_005356.5 (MANE Select); coding-DNA position 1373, G replaced by T.
Protein change: p.Arg458Leu; replaces arginine 458 with leucine.
Molecular consequence: missense variant.
Genome position (GRCh38, 1-based): chr1:32,285,559, G>T. VCF-style: chr1-32285559-G-T. GRCh37 (hg19) VCF-style: chr1-32751160-G-T.
Other names: c.1373G>T, p.Arg458Leu (NM_001042771.3); c.1220G>T, p.Arg407Leu (NM_001330468.2); short protein forms R407L, R458L.
Identifiers: ClinVar variation 1494605 (VCV001494605.6), dbSNP rs1405031975, ClinGen allele CA339643779.
Genomic context (GRCh38, chr1:32,285,559, plus strand): 5'-CCCATCAACCCGTAGGGATGACCAACCCGGAGGTGATTCAGAACCTGGAGCGAGGCTACC[G>T]CATGGTGCGCCCTGACAACTGTCCAGAGGAGCTGTACCAACTCATGAGGCTGTGCTGGAA-3'
Protein context (NP_005347.3, residues 448-468): EVIQNLERGY[Arg458Leu]MVRPDNCPEE

ClinVar aggregate classification (germline): Uncertain significance (1 of 4 stars; one submission).

Conditions:
Severe combined immunodeficiency due to LCK deficiency. Also called: Immunodeficiency 22. Identifiers: Orphanet 280142, MedGen C4014233, MONDO:0014334, OMIM 615758.

Allele frequency attached by ClinVar (database versions not stated): TOPMed below 0.00001.
gnomAD v4.1: 7 of 1,614,118 alleles (0.00043%); highest among the groups gnomAD compares: Non-Finnish European, 0.00059%; no homozygotes.

Submission:

Labcorp Genetics (formerly Invitae), Labcorp
Classification: Uncertain significance for Severe combined immunodeficiency due to LCK deficiency. Last evaluated: 2025-07-14. Review status: criteria provided, single submitter. Criteria: Invitae Variant Classification Sherloc (09022015). Collection method: clinical testing. Allele origin: germline.
Comment: This sequence change replaces arginine, which is basic and polar, with leucine, which is neutral and non-polar, at codon 458 of the LCK protein (p.Arg458Leu). This variant is not present in population databases (gnomAD no frequency). This variant has not been reported in the literature in individuals affected with LCK-related conditions. ClinVar contains an entry for this variant (Variation ID: 1494605). An algorithm developed to predict the effect of missense changes on protein structure and function (PolyPhen-2) suggests that this variant is likely to be disruptive. In summary, the available evidence is currently insufficient to determine the role of this variant in disease. Therefore, it has been classified as a Variant of Uncertain Significance.